The following is an entry in ClinVar:

NM_000089.4(COL1A2):c.704G>A (p.Gly235Asp)

Gene: COL1A2 (collagen type I alpha 2 chain; plus strand). Cytogenetic location: 7q21.3.
Variant type: single nucleotide variant.
Coding change: c.704G>A on transcript NM_000089.4 (MANE Select); coding-DNA position 704, G replaced by A.
Protein change: p.Gly235Asp; replaces glycine 235 with aspartic acid.
Molecular consequence: missense variant.
Genome position (GRCh38, 1-based): chr7:94,408,346, G>A. VCF-style: chr7-94408346-G-A. GRCh37 (hg19) VCF-style: chr7-94037658-G-A.
Other names: short protein forms G235D.
Identifiers: ClinVar variation 2922640 (VCV002922640.4), dbSNP rs1791847482, ClinGen allele CA368220350.

ClinVar aggregate classification (germline): Likely pathogenic. Review status: criteria provided, multiple submitters, no conflicts (2 of 4 stars). 2 submissions from 2 submitters: Likely pathogenic (2). Last evaluated 2024-12-17.

Conditions:
Osteogenesis imperfecta type I (OI1). Also called: Lobstein disease; OI, TYPE I; OSTEOGENESIS IMPERFECTA TARDA; OSTEOGENESIS IMPERFECTA WITH BLUE SCLERAE; Osteogenesis imperfecta type 1; Lobstein's Disease. Identifiers: Orphanet 216796, Orphanet 666, MedGen C0023931, MONDO:0008146, OMIM 166200. Disease mechanism: loss of function.
Ehlers-Danlos syndrome, classic type, 1 (EDSCL1). Also called: EDS I; EHLERS-DANLOS SYNDROME, GRAVIS TYPE; EHLERS-DANLOS SYNDROME, SEVERE CLASSIC TYPE; Ehlers-Danlos syndrome, type 1; Ehlers-Danlos Syndrome, Classic Type, COL5A1-Related. Identifiers: MedGen C0268335, MONDO:0019567, OMIM 130000.

Allele frequency attached by ClinVar (database versions not stated): gnomAD 0.00001.
gnomAD v4.1: 17 of 1,613,992 alleles (0.0011%); highest among the groups gnomAD compares: East Asian, 0.027%; no homozygotes.

Submissions (2):

GeneDx
Classification: Likely pathogenic. Last evaluated: 2024-12-17. Review status: criteria provided, single submitter. Criteria: GeneDx Variant Classification Process June 2021. Collection method: clinical testing. Allele origin: germline. Affected: yes.
Comment: Occurs in the triple helical domain and replaces a glycine in a canonical Gly-X-Y repeat; missense substitution of a canonical glycine residue is expected to disrupt normal protein folding and function, and this is an established mechanism of disease (PMID: 34007986); Not observed at significant frequency in large population cohorts (gnomAD); This variant is associated with the following publications: (PMID: 34426522, 34007986, 25858481)

Labcorp Genetics (formerly Invitae), Labcorp
Classification: Likely pathogenic for Osteogenesis imperfecta type I; Ehlers-Danlos syndrome, classic type, 1. Last evaluated: 2023-06-09. Review status: criteria provided, single submitter. Criteria: Invitae Variant Classification Sherloc (09022015). Collection method: clinical testing. Allele origin: germline.
Comment: This variant disrupts the triple helix domain of COL1A2. Glycine residues within the Gly-Xaa-Yaa repeats of the triple helix domain are required for the structure and stability of fibrillar collagens (PMID: 7695699, 8218237, 19344236). In COL1A2, variants affecting these glycine residues are significantly enriched in individuals with disease (PMID: 9016532, 17078022) compared to the general population (ExAC). Advanced modeling of protein sequence and biophysical properties (such as structural, functional, and spatial information, amino acid conservation, physicochemical variation, residue mobility, and thermodynamic stability) performed at Invitae indicates that this missense variant is expected to disrupt COL1A2 protein function. This missense change has been observed in individual(s) with osteogenesis imperfecta (PMID: 25858481). This variant is not present in population databases (gnomAD no frequency). This sequence change replaces glycine, which is neutral and non-polar, with aspartic acid, which is acidic and polar, at codon 235 of the COL1A2 protein (p.Gly235Asp). In summary, the currently available evidence indicates that the variant is pathogenic, but additional data are needed to prove that conclusively. Therefore, this variant has been classified as Likely Pathogenic.

Literature cited by the submitters: PubMed 7695699 (cited by Labcorp Genetics (formerly Invitae), Labcorp); PubMed 8218237 (cited by Labcorp Genetics (formerly Invitae), Labcorp); PubMed 19344236 (cited by Labcorp Genetics (formerly Invitae), Labcorp); PubMed 9016532 (cited by Labcorp Genetics (formerly Invitae), Labcorp); PubMed 17078022 (cited by Labcorp Genetics (formerly Invitae), Labcorp); PubMed 25858481 (cited by Labcorp Genetics (formerly Invitae), Labcorp).